The following is an entry in ClinVar:

ClinVar aggregate classification (germline): Likely pathogenic (1 of 4 stars; one submission).

Submission:

Labcorp Genetics (formerly Invitae), Labcorp
Classification: Likely pathogenic. Last evaluated: 2022-08-20. Review status: criteria provided, single submitter. Criteria: Invitae Variant Classification Sherloc (09022015). Collection method: clinical testing. Allele origin: germline.
Comment: In summary, the currently available evidence indicates that the variant is pathogenic, but additional data are needed to prove that conclusively. Therefore, this variant has been classified as Likely Pathogenic. This sequence change affects an acceptor splice site in intron 33 of the COL18A1 gene. It is expected to disrupt RNA splicing. Variants that disrupt the donor or acceptor splice site typically lead to a loss of protein function (PMID: 16199547), and loss-of-function variants in COL18A1 are known to be pathogenic (PMID: 12415512, 25456301). This variant is not present in population databases (gnomAD no frequency). This variant has not been reported in the literature in individuals affected with COL18A1-related conditions. Algorithms developed to predict the effect of sequence changes on RNA splicing suggest that this variant may disrupt the consensus splice site.

Literature cited by the submitters: PubMed 16199547; PubMed 12415512; PubMed 25456301.

NM_001379500.1(COL18A1):c.2728-2_2728-1del

Genes: COL18A1 (collagen type XVIII alpha 1 chain; plus strand), SLC19A1 (solute carrier family 19 member 1; minus strand). Cytogenetic location: 21q22.3.
Variant type: Deletion.
Coding change: c.2728-2_2728-1del on transcript NM_001379500.1 (MANE Select); the canonical splice acceptor site of the intron before coding-DNA position 2728, 2 bases deleted (AG; older notation c.2728-2_2728-1delAG).
Molecular consequence: splice acceptor variant.
Genome position (GRCh38, 1-based): chr21:45,504,414-45,504,415, AG deleted. VCF-style (leftmost placement, unchanged base first): chr21-45504413-CAG-C. GRCh37 (hg19) VCF-style: chr21-46924327-CAG-C.
Other names: c.3973-2_3973-1del (NM_130444.3); c.3268-2_3268-1del (NM_030582.4).
Identifiers: ClinVar variation 2025396 (VCV002025396.4), dbSNP rs2517781660, ClinGen allele CA2580098858.